The following is an entry in ClinVar:

NM_017841.4(SDHAF2):c.98G>C (p.Arg33Pro)

Gene: SDHAF2 (succinate dehydrogenase complex assembly factor 2; plus strand). Cytogenetic location: 11q12.2.
Variant type: single nucleotide variant.
Coding change: c.98G>C on transcript NM_017841.4 (MANE Select); coding-DNA position 98, G replaced by C.
Protein change: p.Arg33Pro; replaces arginine 33 with proline.
Molecular consequence: missense variant.
Genome position (GRCh38, 1-based): chr11:61,437,686, G>C. VCF-style: chr11-61437686-G-C. GRCh37 (hg19) VCF-style: chr11-61205158-G-C.
Other names: short protein forms R33P.
Identifiers: ClinVar variation 4721363 (VCV004721363.1).

ClinVar aggregate classification (germline): Uncertain significance (1 of 4 stars; one submission).

Conditions:
Hereditary pheochromocytoma and paraganglioma. Also called: Hereditary pheochromocytoma-paraganglioma; Hereditary Paraganglioma-Pheochromocytoma Syndromes; Hereditary paragangliomas and pheochromocytomas. Identifiers: Orphanet 29072, MedGen C4274332, MONDO:0017366.

Submission:

Labcorp Genetics (formerly Invitae), Labcorp
Classification: Uncertain significance for Hereditary pheochromocytoma and paraganglioma. Last evaluated: 2025-07-17. Review status: criteria provided, single submitter. Criteria: Invitae Variant Classification Sherloc (09022015). Collection method: clinical testing. Allele origin: germline.
Comment: This sequence change replaces arginine, which is basic and polar, with proline, which is neutral and non-polar, at codon 33 of the SDHAF2 protein (p.Arg33Pro). This variant is not present in population databases (gnomAD no frequency). This variant has not been reported in the literature in individuals affected with SDHAF2-related conditions. An algorithm developed to predict the effect of missense changes on protein structure and function (PolyPhen-2) suggests that this variant is likely to be disruptive. In summary, the available evidence is currently insufficient to determine the role of this variant in disease. Therefore, it has been classified as a Variant of Uncertain Significance.